The following is an entry in ClinVar:

ClinVar aggregate classification (germline): Uncertain significance. Review status: criteria provided, multiple submitters, no conflicts (2 of 4 stars). 2 submissions from 2 submitters: Uncertain significance (2). Last evaluated 2025-10-29.

Conditions:
Inborn genetic diseases. Identifiers: MedGen C0950123, MeSH D030342.

Allele frequency attached by ClinVar (database versions not stated): ExAC 0.00002; TOPMed 0.00003; gnomAD 0.00004; gnomAD exomes 0.00007.
gnomAD v4.1: 106 of 1,613,906 alleles (0.0066%); highest among the groups gnomAD compares: Non-Finnish European, 0.0086%; no homozygotes.

Submissions (2):

Ambry Genetics
Classification: Uncertain significance for Inborn genetic diseases. Last evaluated: 2025-10-29. Review status: criteria provided, single submitter. Criteria: Ambry Variant Classification Scheme 2023. Collection method: clinical testing. Allele origin: germline.

Labcorp Genetics (formerly Invitae), Labcorp
Classification: Uncertain significance. Last evaluated: 2024-05-07. Review status: criteria provided, single submitter. Criteria: Invitae Variant Classification Sherloc (09022015). Collection method: clinical testing. Allele origin: germline.
Comment: This sequence change replaces isoleucine, which is neutral and non-polar, with valine, which is neutral and non-polar, at codon 756 of the HPS3 protein (p.Ile756Val). This variant is present in population databases (rs755571250, gnomAD 0.01%). This variant has not been reported in the literature in individuals affected with HPS3-related conditions. ClinVar contains an entry for this variant (Variation ID: 2153179). Advanced modeling of protein sequence and biophysical properties (such as structural, functional, and spatial information, amino acid conservation, physicochemical variation, residue mobility, and thermodynamic stability) performed at Invitae indicates that this missense variant is not expected to disrupt HPS3 protein function with a negative predictive value of 80%. In summary, the available evidence is currently insufficient to determine the role of this variant in disease. Therefore, it has been classified as a Variant of Uncertain Significance.

NM_032383.5(HPS3):c.2266A>G (p.Ile756Val)

Gene: HPS3 (HPS3 biogenesis of lysosomal organelles complex 2 subunit 1; plus strand). Cytogenetic location: 3q24.
Variant type: single nucleotide variant.
Coding change: c.2266A>G on transcript NM_032383.5 (MANE Select); coding-DNA position 2266, A replaced by G.
Protein change: p.Ile756Val; replaces isoleucine 756 with valine.
Molecular consequence: missense variant.
Genome position (GRCh38, 1-based): chr3:149,162,307, A>G. VCF-style: chr3-149162307-A-G. GRCh37 (hg19) VCF-style: chr3-148880094-A-G.
Other names: c.1771A>G, p.Ile591Val (NM_001308258.2); c.2266A>G (NM_032383.3); short protein forms I756V, I591V.
Identifiers: ClinVar variation 2153179 (VCV002153179.4), dbSNP rs755571250, ClinGen allele CA2660271.